The following is an entry in ClinVar:

NM_018122.5(DARS2):c.228-15C>G

Gene: DARS2 (aspartyl-tRNA synthetase 2, mitochondrial; plus strand). Cytogenetic location: 1q25.1.
Variant type: single nucleotide variant.
Coding change: c.228-15C>G on transcript NM_018122.5 (MANE Select); 15 bases into the intron before coding-DNA position 228, C replaced by G.
Molecular consequence: intron variant.
Genome position (GRCh38, 1-based): chr1:173,828,318, C>G. VCF-style: chr1-173828318-C-G. GRCh37 (hg19) VCF-style: chr1-173797456-C-G.
Other names: NM_001365213.2:c.228-15C>G; c.228-15C>G (NM_001365212.1, NM_001365213.2).
Identifiers: ClinVar variation 3776806 (VCV003776806.1).

ClinVar aggregate classification (germline): Likely pathogenic (1 of 4 stars; one submission).

Conditions:
Leukoencephalopathy with brain stem and spinal cord involvement-high lactate syndrome (LBSL). Also called: Leukoencephalopathy with Brainstem and Spinal Cord Involvement and Lactate Elevation; MITOCHONDRIAL ASPARTYL-tRNA SYNTHETASE DEFICIENCY; LEUKOENCEPHALOPATHY WITH BRAINSTEM AND SPINAL CORD INVOLVEMENT AND LACTATE ELEVATION, MILD. Identifiers: Orphanet 137898, MedGen C1970180, MONDO:0012622, OMIM 611105.

gnomAD v4.1: 10 of 1,316,240 alleles (0.00076%); highest among the groups gnomAD compares: South Asian, 0.0047%; no homozygotes.

Submission:

Broad Center for Mendelian Genomics, Broad Institute of MIT and Harvard
Classification: Likely pathogenic for Leukoencephalopathy with brain stem and spinal cord involvement-high lactate syndrome. Last evaluated: 2025-01-16. Review status: criteria provided, single submitter. Criteria: ACMG Guidelines, 2015. Collection method: curation. Allele origin: germline. Inheritance: Autosomal recessive inheritance.
Comment: The c.228-15C>G variant in DARS2 has been reported in 2 individuals with leukoencephalopathy with brain stem and spinal cord involvement-high lactate syndrome (PMID: 29138691, 17384640), and has been identified in 0.005% (4/84722) of South Asian chromosomes by the Genome Aggregation Database (gnomAD; dbSNP rs200392167). Although this variant has been seen in the general population in a heterozygous state, its frequency is low enough to be consistent with a recessive carrier frequency. cDNA analysis performed shows that the c.228-15C>G variant is predicted to lead to exon skipping of exon 3, and is predicted to result in nonsense mediated decay (NMD) and result in a truncated or absent protein (PMID: 17384640). However these types of assays may not accurately represent biological function. Variants that occur in this intron splice 2 region are known to be leaky, which may explain some variability in phenotype (PMID: 24566671). This intron 2 region of DARS2 is an established mutational hotspot and most individuals with LBSL have variants in this region (PMID: 24566671). In summary, although additional studies are required to fully establish its clinical significance, this variant is likely pathogenic for autosomal recessive leukoencephalopathy with brain stem and spinal cord involvement-high lactate syndrome. ACMG/AMP Criteria applied: PVS1_strong, PM1_supporting, PM2_supporting (Richards 2015).